The following is an entry in ClinVar:

NM_032634.4(PIGO):c.2869C>T (p.Leu957Phe)

Gene: PIGO (phosphatidylinositol glycan anchor biosynthesis class O; minus strand). Cytogenetic location: 9p13.3.
Variant type: single nucleotide variant.
Coding change: c.2869C>T on transcript NM_032634.4 (MANE Select); coding-DNA position 2869, C replaced by T.
Protein change: p.Leu957Phe; replaces leucine 957 with phenylalanine.
Molecular consequence: missense variant.
Genome position (GRCh38, 1-based): chr9:35,090,266, G>A on the plus strand (C>T on the coding strand, the complement: PIGO is on the minus strand). VCF-style: chr9-35090266-G-A. GRCh37 (hg19) VCF-style: chr9-35090263-G-A.
Other names: c.1618C>T, p.Leu540Phe (NM_001201484.2, NM_152850.4); short protein forms L957F, L540F.
Identifiers: ClinVar variation 35599 (VCV000035599.7), dbSNP rs142164373, ClinGen allele CA129968.

ClinVar aggregate classification (germline): Pathogenic/Likely pathogenic. Review status: criteria provided, multiple submitters, no conflicts (2 of 4 stars). 3 submissions from 3 submitters: Pathogenic (1); Likely pathogenic (1). 1 of the submissions does not count toward it. Last evaluated 2023-06-14.

Conditions:
Hyperphosphatasia with impaired intellectual development syndrome 2. Also called: GLYCOSYLPHOSPHATIDYLINOSITOL BIOSYNTHESIS DEFECT 6; Hyperphosphatasia with intellectual disability syndrome 2. Identifiers: Orphanet 247262, MedGen C3553637, MONDO:0013882, OMIM 614749.

Allele frequency attached by ClinVar (database versions not stated): TOPMed 0.00001; ESP Exome Variant Server 0.00008; gnomAD exomes 0.00001.

Submissions (3):

Labcorp Genetics (formerly Invitae), Labcorp
Classification: Pathogenic for Hyperphosphatasia with impaired intellectual development syndrome 2. Last evaluated: 2023-06-14. Review status: criteria provided, single submitter. Criteria: Invitae Variant Classification Sherloc (09022015). Collection method: clinical testing. Allele origin: germline.
Comment: This sequence change replaces leucine, which is neutral and non-polar, with phenylalanine, which is neutral and non-polar, at codon 957 of the PIGO protein (p.Leu957Phe). This variant is not present in population databases (gnomAD no frequency). This missense change has been observed in individual(s) with PIGO-related conditions (PMID: 22683086). In at least one individual the data is consistent with being in trans (on the opposite chromosome) from a pathogenic variant. It has also been observed to segregate with disease in related individuals. ClinVar contains an entry for this variant (Variation ID: 35599). Advanced modeling of protein sequence and biophysical properties (such as structural, functional, and spatial information, amino acid conservation, physicochemical variation, residue mobility, and thermodynamic stability) performed at Invitae indicates that this missense variant is not expected to disrupt PIGO protein function. Experimental studies have shown that this missense change affects PIGO function (PMID: 22683086). For these reasons, this variant has been classified as Pathogenic.

Fulgent Genetics
Classification: Likely pathogenic for Hyperphosphatasia with impaired intellectual development syndrome 2. Last evaluated: 2021-11-11. Review status: criteria provided, single submitter. Criteria: ACMG Guidelines, 2015. Collection method: clinical testing. Allele origin: unknown.

OMIM
Classification: Pathogenic for HYPERPHOSPHATASIA WITH IMPAIRED INTELLECTUAL DEVELOPMENT SYNDROME 2. Last evaluated: 2012-07-13. Review status: no assertion criteria provided. Collection method: literature only. Allele origin: germline. Not counted in ClinVar's aggregate classification.

Literature cited by the submitters: PubMed 22683086 (cited by Labcorp Genetics (formerly Invitae), Labcorp and OMIM).